The following is an entry in ClinVar:

ClinVar aggregate classification (germline): Likely benign (1 of 4 stars; one submission).

Conditions:
DPYD-related disorder. Also called: DPYD-related condition.

gnomAD v4.1: 65 of 1,613,764 alleles (0.004%); highest among the groups gnomAD compares: African/African-American, 0.075%; no homozygotes.

Submission:

PreventionGenetics, part of Exact Sciences
Classification: Likely benign for DPYD-related condition. Last evaluated: 2025-01-06. Review status: criteria provided, single submitter. Criteria: ACMG Guidelines, 2015. Collection method: clinical testing. Allele origin: germline.
Comment: This variant is classified as likely benign based on ACMG/AMP sequence variant interpretation guidelines (Richards et al. 2015 PMID: 25741868, with internal and published modifications).

NM_000110.4(DPYD):c.1446C>T (p.Val482=)

Gene: DPYD (dihydropyrimidine dehydrogenase; minus strand). Cytogenetic location: 1p21.3.
Variant type: single nucleotide variant.
Coding change: c.1446C>T on transcript NM_000110.4 (MANE Select); coding-DNA position 1446, C replaced by T.
Protein change: p.Val482=; no amino-acid change (valine 482 retained).
Molecular consequence: synonymous variant.
Genome position (GRCh38, 1-based): chr1:97,549,638, G>A on the plus strand (C>T on the coding strand, the complement: DPYD is on the minus strand). VCF-style: chr1-97549638-G-A. GRCh37 (hg19) VCF-style: chr1-98015194-G-A.
Identifiers: ClinVar variation 4981364 (VCV004981364.1).
Genomic context (GRCh38, chr1:97,549,638, plus strand): 5'-GTACCAAGAAGCTTGCTTTCCATCATTCACCGATTCCACTGTAGTGTTAGCCAAACCAAC[G>A]ACATCACCACCTGCAAATACCCATGCTTCACTAGTTTGCATAGTTTCTGGATCTACTTCT-3'
Protein context (NP_000101.2, residues 472-492): SEAWVFAGGD[Val482=]VGLANTTVES